The following is an entry in ClinVar:

ClinVar aggregate classification (germline): Uncertain significance (1 of 4 stars; one submission).

Conditions:
Autosomal dominant hypocalcemia 1 (HYPOC1). Also called: HYPOCALCEMIA, FAMILIAL. Identifiers: MedGen C3715128, MONDO:0011013, OMIM 601198.
Familial hypocalciuric hypercalcemia (FHH). Also called: Familial benign hypercalcemia. Identifiers: Orphanet 405, MedGen C1809471, MONDO:0018458.

Submission:

Labcorp Genetics (formerly Invitae), Labcorp
Classification: Uncertain significance for Familial hypocalciuric hypercalcemia; Autosomal dominant hypocalcemia 1. Last evaluated: 2023-06-27. Review status: criteria provided, single submitter. Criteria: Invitae Variant Classification Sherloc (09022015). Collection method: clinical testing. Allele origin: germline.
Comment: In summary, the available evidence is currently insufficient to determine the role of this variant in disease. Therefore, it has been classified as a Variant of Uncertain Significance. An algorithm developed to predict the effect of missense changes on protein structure and function (PolyPhen-2) suggests that this variant is likely to be disruptive. This variant has not been reported in the literature in individuals affected with CASR-related conditions. This variant is not present in population databases (gnomAD no frequency). This sequence change replaces isoleucine, which is neutral and non-polar, with asparagine, which is neutral and polar, at codon 452 of the CASR protein (p.Ile452Asn).

NM_000388.4(CASR):c.1355T>A (p.Ile452Asn)

Gene: CASR (calcium sensing receptor; plus strand). Cytogenetic location: 3q21.1.
Variant type: single nucleotide variant.
Coding change: c.1355T>A on transcript NM_000388.4 (MANE Select); coding-DNA position 1355, T replaced by A.
Protein change: p.Ile452Asn; replaces isoleucine 452 with asparagine.
Molecular consequence: missense variant.
Genome position (GRCh38, 1-based): chr3:122,262,390, T>A. VCF-style: chr3-122262390-T-A. GRCh37 (hg19) VCF-style: chr3-121981237-T-A.
Other names: c.1355T>A, p.Ile452Asn (NM_001178065.2); short protein forms I452N.
Identifiers: ClinVar variation 2949330 (VCV002949330.3), dbSNP rs2473229327, ClinGen allele CA354153297.